The following is an entry in ClinVar:

NM_003801.4(GPAA1):c.795G>C (p.Leu265Phe)

Gene: GPAA1 (glycosylphosphatidylinositol anchor attachment 1; plus strand). Cytogenetic location: 8q24.3.
Variant type: single nucleotide variant.
Coding change: c.795G>C on transcript NM_003801.4 (MANE Select); coding-DNA position 795, G replaced by C.
Protein change: p.Leu265Phe; replaces leucine 265 with phenylalanine.
Molecular consequence: missense variant.
Genome position (GRCh38, 1-based): chr8:144,084,312, G>C. VCF-style: chr8-144084312-G-C. GRCh37 (hg19) VCF-style: chr8-145139215-G-C.
Other names: short protein forms L265F.
Identifiers: ClinVar variation 2053337 (VCV002053337.4), dbSNP rs911001673, ClinGen allele CA187627642.

ClinVar aggregate classification (germline): Uncertain significance (1 of 4 stars; one submission).

Submission:

Labcorp Genetics (formerly Invitae), Labcorp
Classification: Uncertain significance. Last evaluated: 2022-02-22. Review status: criteria provided, single submitter. Criteria: Invitae Variant Classification Sherloc (09022015). Collection method: clinical testing. Allele origin: germline.
Comment: In summary, the available evidence is currently insufficient to determine the role of this variant in disease. Therefore, it has been classified as a Variant of Uncertain Significance. Algorithms developed to predict the effect of missense changes on protein structure and function are either unavailable or do not agree on the potential impact of this missense change (SIFT: "Tolerated"; PolyPhen-2: "Probably Damaging"; Align-GVGD: "Class C0"). This variant has not been reported in the literature in individuals affected with GPAA1-related conditions. This variant is not present in population databases (gnomAD no frequency). This sequence change replaces leucine, which is neutral and non-polar, with phenylalanine, which is neutral and non-polar, at codon 265 of the GPAA1 protein (p.Leu265Phe).